The following is an entry in ClinVar:

NM_000742.4(CHRNA2):c.986G>C (p.Gly329Ala)

Gene: CHRNA2 (cholinergic receptor nicotinic alpha 2 subunit; minus strand). Cytogenetic location: 8p21.2.
Variant type: single nucleotide variant.
Coding change: c.986G>C on transcript NM_000742.4 (MANE Select); coding-DNA position 986, G replaced by C.
Protein change: p.Gly329Ala; replaces glycine 329 with alanine.
Molecular consequence: missense variant.
Genome position (GRCh38, 1-based): chr8:27,463,457, C>G on the plus strand (G>C on the coding strand, the complement: CHRNA2 is on the minus strand). VCF-style: chr8-27463457-C-G. GRCh37 (hg19) VCF-style: chr8-27320974-C-G.
Other names: c.941G>C, p.Gly314Ala (NM_001282455.2); c.509G>C, p.Gly170Ala (NM_001347705.2, NM_001347706.2); c.392G>C, p.Gly131Ala (NM_001347707.2, NM_001347708.2); short protein forms G329A, G131A, G170A, G314A.
Identifiers: ClinVar variation 1924623 (VCV001924623.5), dbSNP rs771282047, ClinGen allele CA4689559.

ClinVar aggregate classification (germline): Uncertain significance (1 of 4 stars; one submission).

Conditions:
Familial sleep-related hypermotor epilepsy. Also called: Autosomal Dominant Sleep-Related Hypermotor (Hyperkinetic) Epilepsy. Identifiers: Orphanet 98784, MedGen C3696898, MONDO:0000030.

Allele frequency attached by ClinVar (database versions not stated): ExAC 0.00002; gnomAD exomes 0.00001.
gnomAD v4.1: 7 of 1,614,142 alleles (0.00043%); highest among the groups gnomAD compares: Non-Finnish European, 0.00042%; no homozygotes.

Submission:

Labcorp Genetics (formerly Invitae), Labcorp
Classification: Uncertain significance. Last evaluated: 2024-03-26. Review status: criteria provided, single submitter. Criteria: Invitae Variant Classification Sherloc (09022015). Collection method: clinical testing. Allele origin: germline.
Comment: This sequence change replaces glycine, which is neutral and non-polar, with alanine, which is neutral and non-polar, at codon 329 of the CHRNA2 protein (p.Gly329Ala). This variant is present in population databases (rs771282047, gnomAD 0.002%). This variant has not been reported in the literature in individuals affected with CHRNA2-related conditions. ClinVar contains an entry for this variant (Variation ID: 1924623). Advanced modeling of protein sequence and biophysical properties (such as structural, functional, and spatial information, amino acid conservation, physicochemical variation, residue mobility, and thermodynamic stability) performed at Invitae indicates that this missense variant is not expected to disrupt CHRNA2 protein function with a negative predictive value of 80%. In summary, the available evidence is currently insufficient to determine the role of this variant in disease. Therefore, it has been classified as a Variant of Uncertain Significance.